The following is an entry in ClinVar:

NM_000433.4(NCF2):c.1105G>A (p.Gly369Arg)

Gene: NCF2 (neutrophil cytosolic factor 2; minus strand). Cytogenetic location: 1q25.3.
Variant type: single nucleotide variant.
Coding change: c.1105G>A on transcript NM_000433.4 (MANE Select); coding-DNA position 1105, G replaced by A.
Protein change: p.Gly369Arg; replaces glycine 369 with arginine.
Molecular consequence: missense variant.
Genome position (GRCh38, 1-based): chr1:183,563,507, C>T on the plus strand (G>A on the coding strand, the complement: NCF2 is on the minus strand). VCF-style: chr1-183563507-C-T. GRCh37 (hg19) VCF-style: chr1-183532642-C-T.
Other names: c.1105G>A, p.Gly369Arg (NM_001127651.3); c.862G>A, p.Gly288Arg (NM_001190789.2); c.970G>A, p.Gly324Arg (NM_001190794.2); short protein forms G369R, G288R, G324R.
Identifiers: ClinVar variation 68484 (VCV000068484.4), dbSNP rs137854513, ClinGen allele CA219764.

ClinVar aggregate classification (germline): Uncertain significance. Review status: criteria provided, single submitter (1 of 4 stars). 2 submissions from 2 submitters: Uncertain significance (1). 1 of the submissions does not count toward it. Last evaluated 2021-10-11.

Conditions:
Granulomatous disease, chronic, autosomal recessive, cytochrome b-positive, type 2. Also called: GRANULOMATOUS DISEASE, CHRONIC, AUTOSOMAL RECESSIVE, 2; CGD, AUTOSOMAL RECESSIVE CYTOCHROME b-POSITIVE, TYPE II; GRANULOMATOUS DISEASE, CHRONIC, DUE TO NCF2 DEFICIENCY; Chronic granulomatous disease due to deficiency of NCF-2; Chronic Granulomatous Disease, Autosomal Recessive, Cytochrome b-Positive, Type II. Identifiers: Orphanet 379, MedGen C1856245, MONDO:0009310, OMIM 233710.

Allele frequency attached by ClinVar (database versions not stated): gnomAD 0.00002; TOPMed 0.00002; ExAC 0.00008; ESP Exome Variant Server 0.00008.
gnomAD v4.1: 44 of 1,613,986 alleles (0.0027%); highest among the groups gnomAD compares: South Asian, 0.0088%; no homozygotes.

Submissions (2):

Labcorp Genetics (formerly Invitae), Labcorp
Classification: Uncertain significance for Granulomatous disease, chronic, autosomal recessive, cytochrome b-positive, type 2. Last evaluated: 2021-10-11. Review status: criteria provided, single submitter. Criteria: Invitae Variant Classification Sherloc (09022015). Collection method: clinical testing. Allele origin: germline.
Comment: This sequence change replaces glycine with arginine at codon 369 of the NCF2 protein (p.Gly369Arg). The glycine residue is highly conserved and there is a moderate physicochemical difference between glycine and arginine. This variant is present in population databases (rs137854513, ExAC 0.02%). This variant has not been reported in the literature in individuals affected with NCF2-related conditions. ClinVar contains an entry for this variant (Variation ID: 68484). Algorithms developed to predict the effect of missense changes on protein structure and function output the following: SIFT: "Deleterious"; PolyPhen-2: "Benign"; Align-GVGD: "Class C0". The arginine amino acid residue is found in multiple mammalian species, which suggests that this missense change does not adversely affect protein function. In summary, the available evidence is currently insufficient to determine the role of this variant in disease. Therefore, it has been classified as a Variant of Uncertain Significance.

UniProtKB/Swiss-Prot
No classification provided. Review status: no classification provided. Collection method: not provided. Allele origin: not provided. Not counted in ClinVar's aggregate classification.